The following is an entry in ClinVar:

ClinVar aggregate classification (germline): Uncertain significance. Review status: criteria provided, multiple submitters, no conflicts (2 of 4 stars). 2 submissions from 2 submitters: Uncertain significance (2). Last evaluated 2025-01-29.

Conditions:
Hereditary cancer-predisposing syndrome. Also called: Neoplastic Syndromes, Hereditary; Tumor predisposition; Hereditary neoplastic syndrome; Hereditary Cancer Syndrome. Identifiers: Orphanet 140162, MedGen C0027672, MeSH D009386, MONDO:0015356.
Rhabdoid tumor predisposition syndrome 2 (RTPS2). Identifiers: Orphanet 231108, Orphanet 69077, MedGen C2750074, MONDO:0013224, OMIM 613325.

Submissions (2):

Labcorp Genetics (formerly Invitae), Labcorp
Classification: Uncertain significance for Rhabdoid tumor predisposition syndrome 2. Last evaluated: 2025-01-29. Review status: criteria provided, single submitter. Criteria: Invitae Variant Classification Sherloc (09022015). Collection method: clinical testing. Allele origin: germline.
Comment: This sequence change replaces glutamine, which is neutral and polar, with arginine, which is basic and polar, at codon 1519 of the SMARCA4 protein (p.Gln1519Arg). This variant is not present in population databases (gnomAD no frequency). This variant has not been reported in the literature in individuals affected with SMARCA4-related conditions. ClinVar contains an entry for this variant (Variation ID: 3233126). Invitae Evidence Modeling of protein sequence and biophysical properties (such as structural, functional, and spatial information, amino acid conservation, physicochemical variation, residue mobility, and thermodynamic stability) has been performed for this missense variant. However, the output from this modeling did not meet the statistical confidence thresholds required to predict the impact of this variant on SMARCA4 protein function. In summary, the available evidence is currently insufficient to determine the role of this variant in disease. Therefore, it has been classified as a Variant of Uncertain Significance.

Ambry Genetics
Classification: Uncertain significance for Hereditary cancer-predisposing syndrome. Last evaluated: 2023-12-02. Review status: criteria provided, single submitter. Criteria: Ambry Variant Classification Scheme 2023. Collection method: clinical testing. Allele origin: germline.
Comment: The p.Q1519R variant (also known as c.4556A>G), located in coding exon 31 of the SMARCA4 gene, results from an A to G substitution at nucleotide position 4556. The glutamine at codon 1519 is replaced by arginine, an amino acid with highly similar properties. This amino acid position is highly conserved in available vertebrate species. In addition, the in silico prediction for this alteration is inconclusive. Missense and in-frame variants in SMARCA4 are known to cause neurodevelopmental disorders; however, such associations with rhabdoid tumor predisposition syndrome including small cell carcinoma of the ovary-hypercalcemic type (SCCOHT) are exceedingly rare (Kosho T et al. Am J Med Genet C Semin Med Genet. 2014 Sep;166C(3):262-75; Jelinic P et al. Nat Genet. 2014 May;46(5):424-6). Since supporting evidence is limited at this time, the clinical significance of this alteration remains unclear.

NM_003072.5(SMARCA4):c.4460A>G (p.Gln1487Arg)

Gene: SMARCA4 (SWI/SNF related BAF chromatin remodeling complex subunit ATPase 4; plus strand). Cytogenetic location: 19p13.2.
Variant type: single nucleotide variant.
Coding change: c.4460A>G on transcript NM_003072.5 (MANE Select); coding-DNA position 4460, A replaced by G.
Protein change: p.Gln1487Arg; replaces glutamine 1487 with arginine.
Molecular consequence: missense variant. On other transcripts: non-coding transcript variant (1).
Genome position (GRCh38, 1-based): chr19:11,058,290, A>G. VCF-style: chr19-11058290-A-G. GRCh37 (hg19) VCF-style: chr19-11168966-A-G.
Other names: c.4460A>G, p.Gln1487Arg (NM_001128844.3); c.4370A>G, p.Gln1457Arg (NM_001128845.2); c.4367A>G, p.Gln1456Arg (NM_001128846.2); c.4361A>G, p.Gln1454Arg (NM_001128847.4, NM_001374457.1); c.4358A>G, p.Gln1453Arg (NM_001128848.2); c.4556A>G, p.Gln1519Arg (NM_001128849.3, NM_001387283.1); c.4457A>G, p.Gln1486Arg (NM_001411150.1); short protein forms Q1453R, Q1454R, Q1456R, Q1457R, Q1486R, Q1487R, Q1519R.
Identifiers: ClinVar variation 3233126 (VCV003233126.2), dbSNP rs2147085794, ClinGen allele CA404077451.
Genomic context (GRCh38, chr19:11,058,290, plus strand): 5'-GATAGCCGCCGGTTCTGCCTTGCAGCAGCAGTGGACGTCAGCTCAGCGAGGTCTTCATCC[A>G]GCTGCCCTCGCGAAAGGAGCTGCCCGAGTACTACGAGCTCATCCGCAAGCCCGTGGACTT-3'
Protein context (NP_003063.2, residues 1477-1497): SGRQLSEVFI[Gln1487Arg]LPSRKELPEY